The following is an entry in ClinVar:

ClinVar aggregate classification (germline): Uncertain significance (1 of 4 stars; one submission).

Allele frequency attached by ClinVar (database versions not stated): TOPMed below 0.00001; gnomAD 0.00004; ExAC 0.00007; gnomAD exomes 0.00008; 1000 Genomes Project 30x 0.00016; 1000 Genomes Project 0.00020.
gnomAD v4.1: 115 of 1,614,088 alleles (0.0071%); highest among the groups gnomAD compares: East Asian, 0.036%; no homozygotes.

Submission:

GeneDx
Classification: Uncertain significance. Last evaluated: 2026-09-17. Review status: criteria provided, single submitter. Criteria: GeneDx Variant Classification Process June 2021. Collection method: clinical testing. Allele origin: germline.
Comment: In silico analysis suggests that this missense variant does not alter protein structure/function; Has not been previously published as pathogenic or benign to our knowledge

NM_001039141.3(TRIOBP):c.817C>T (p.Arg273Cys)

Gene: TRIOBP (TRIO and F-actin binding protein; plus strand). Cytogenetic location: 22q13.1.
Variant type: single nucleotide variant.
Coding change: c.817C>T on transcript NM_001039141.3 (MANE Select); coding-DNA position 817, C replaced by T.
Protein change: p.Arg273Cys; replaces arginine 273 with cysteine.
Molecular consequence: missense variant.
Genome position (GRCh38, 1-based): chr22:37,723,373, C>T. VCF-style: chr22-37723373-C-T. GRCh37 (hg19) VCF-style: chr22-38119380-C-T.
Other names: short protein forms R273C.
Identifiers: ClinVar variation 1806640 (VCV001806640.2), dbSNP rs190463138, ClinGen allele CA10223458.